The following is an entry in ClinVar:

NM_001379500.1(COL18A1):c.152C>G (p.Pro51Arg)

Gene: COL18A1 (collagen type XVIII alpha 1 chain; plus strand). Cytogenetic location: 21q22.3.
Variant type: single nucleotide variant.
Coding change: c.152C>G on transcript NM_001379500.1 (MANE Select); coding-DNA position 152, C replaced by G.
Protein change: p.Pro51Arg; replaces proline 51 with arginine.
Molecular consequence: missense variant.
Genome position (GRCh38, 1-based): chr21:45,468,287, C>G. VCF-style: chr21-45468287-C-G. GRCh37 (hg19) VCF-style: chr21-46888201-C-G.
Other names: c.692C>G, p.Pro231Arg (NM_030582.4); c.1397C>G, p.Pro466Arg (NM_130444.3); short protein forms P51R, P231R, P466R.
Identifiers: ClinVar variation 1507341 (VCV001507341.6), dbSNP rs761392315, ClinGen allele CA410511454.
Genomic context (GRCh38, chr21:45,468,287, plus strand): 5'-TCTTTCTTTTTGCAGAGCGCATCAGCGAGGAGGTGGGGCTGCTGCAGCTCCTTGGGGACC[C>G]CCCGCCCCAGCAGGTCACCCAGACGGATGACCCCGACGTCGGGCTGGCCTACGTCTTTGG-3'
Protein context (NP_001366429.1, residues 41-61): EVGLLQLLGD[Pro51Arg]PPQQVTQTDD

ClinVar aggregate classification (germline): Uncertain significance (1 of 4 stars; one submission).

Submission:

Labcorp Genetics (formerly Invitae), Labcorp
Classification: Uncertain significance. Last evaluated: 2021-05-19. Review status: criteria provided, single submitter. Criteria: Invitae Variant Classification Sherloc (09022015). Collection method: clinical testing. Allele origin: germline.
Comment: This sequence change replaces proline with arginine at codon 51 of the COL18A1 protein (p.Pro51Arg). There is a moderate physicochemical difference between proline and arginine. Experimental studies and prediction algorithms are not available or were not evaluated, and the functional significance of this variant is currently unknown. This variant has not been reported in the literature in individuals with COL18A1-related conditions. This variant is not present in population databases (ExAC no frequency). In summary, the available evidence is currently insufficient to determine the role of this variant in disease. Therefore, it has been classified as a Variant of Uncertain Significance.